The following is an entry in ClinVar:

ClinVar aggregate classification (germline): Pathogenic (1 of 4 stars; one submission).

Conditions:
Hereditary breast ovarian cancer syndrome. Also called: Breast and ovarian cancer; BRCA1- and BRCA2-Associated Hereditary Breast and Ovarian Cancer; Hereditary breast and ovarian cancer syndrome; Hereditary breast and/or ovarian cancer syndrome; Hereditary breast and ovarian cancer; Hereditary breast and ovarian cancer syndrome (HBOC). Identifiers: Orphanet 145, MedGen C0677776, MeSH D061325, MONDO:0003582. Disease mechanism: loss of function.

Submission:

Labcorp Genetics (formerly Invitae), Labcorp
Classification: Pathogenic for Hereditary breast ovarian cancer syndrome. Last evaluated: 2022-11-01. Review status: criteria provided, single submitter. Criteria: Invitae Variant Classification Sherloc (09022015). Collection method: clinical testing. Allele origin: germline.
Comment: This variant is a gross deletion of the genomic region encompassing exon(s) 17-18 of the BRCA1 gene. This deletion is out-of-frame, and is expected to create a premature termination codon and result in an absent or disrupted protein product. Loss-of-function variants in BRCA1 are known to be pathogenic (PMID: 20104584). A similar copy number variant has been observed in individual(s) with breast and ovarian cancer (PMID: 12700174, 17333342, 17561994, 18431737). This variant is also known as deletion of exons 18-19. For these reasons, this variant has been classified as Pathogenic.

Literature cited by the submitters: PubMed 20104584; PubMed 12700174; PubMed 17333342; PubMed 17561994; PubMed 18431737.

NC_000017.10:g.(?_41215330)_(41215988_?)del

Gene: BRCA1 (BRCA1 DNA repair associated; minus strand). Cytogenetic location: 17q21.31.
Variant type: Deletion.
Identifiers: ClinVar variation 1069178 (VCV001069178.2).